The following is an entry in ClinVar:

ClinVar aggregate classification (germline): Pathogenic. Review status: criteria provided, multiple submitters, no conflicts (2 of 4 stars). 2 submissions from 2 submitters: Pathogenic (2). Last evaluated 2025-04-21.

Conditions:
Hereditary cancer-predisposing syndrome. Also called: Neoplastic Syndromes, Hereditary; Hereditary Cancer Syndrome; Hereditary neoplastic syndrome; Tumor predisposition. Identifiers: Orphanet 140162, MedGen C0027672, MeSH D009386, MONDO:0015356.
Hereditary breast ovarian cancer syndrome. Also called: Hereditary breast and ovarian cancer syndrome (HBOC); Hereditary breast and ovarian cancer syndrome; Breast and ovarian cancer; Hereditary breast and/or ovarian cancer syndrome; Hereditary breast and ovarian cancer; BRCA1- and BRCA2-Associated Hereditary Breast and Ovarian Cancer. Identifiers: Orphanet 145, MedGen C0677776, MeSH D061325, MONDO:0003582. Disease mechanism: loss of function.

Submissions (2):

Labcorp Genetics (formerly Invitae), Labcorp
Classification: Pathogenic for Hereditary breast ovarian cancer syndrome. Last evaluated: 2025-04-21. Review status: criteria provided, single submitter. Criteria: Invitae Variant Classification Sherloc (09022015). Collection method: clinical testing. Allele origin: germline.
Comment: This sequence change creates a premature translational stop signal (p.Phe93Leufs*4) in the BRCA1 gene. It is expected to result in an absent or disrupted protein product. Loss-of-function variants in BRCA1 are known to be pathogenic (PMID: 20104584). This variant is not present in population databases (gnomAD no frequency). This variant has not been reported in the literature in individuals affected with BRCA1-related conditions. For these reasons, this variant has been classified as Pathogenic.

Color Diagnostics, LLC DBA Color Health
Classification: Pathogenic for Hereditary cancer-predisposing syndrome. Last evaluated: 2022-04-18. Review status: criteria provided, single submitter. Criteria: ACMG Guidelines, 2015. Collection method: clinical testing. Allele origin: germline.
Comment: This variant replaces 2 nucleotides in exon 5 of the BRCA1 gene with 3 new nucleotides, creating a frameshift and premature translation stop signal. This variant is expected to result in an absent or non-functional protein product. This variant has not been reported in individuals affected with hereditary cancer in the literature. This variant has not been identified in the general population by the Genome Aggregation Database (gnomAD). Loss of BRCA1 function is a known mechanism of disease. Based on the available evidence, this variant is classified as Pathogenic.

Literature cited by the submitters: PubMed 20104584 (cited by Labcorp Genetics (formerly Invitae), Labcorp).

NM_007294.4(BRCA1):c.279_280delinsGAA (p.Phe93fs)

Gene: BRCA1 (BRCA1 DNA repair associated; minus strand). Cytogenetic location: 17q21.31.
Variant type: Indel.
Coding change: c.279_280delinsGAA on transcript NM_007294.4 (MANE Select); coding-DNA positions 279 to 280, TC replaced by GAA.
Protein change: p.Phe93fs; shifts the reading frame from phenylalanine 93.
Molecular consequence: frameshift variant. On other transcripts: non-coding transcript variant (1).
Genome position (GRCh38, 1-based): chr17:43,104,889-43,104,890, GA replaced by TTC on the plus strand (TC replaced by GAA on the coding strand, the reverse complement: BRCA1 is on the minus strand). VCF-style: chr17-43104889-GA-TTC. GRCh37 (hg19) VCF-style: chr17-41256906-GA-TTC.
Other names: c.279_280delTCinsGAA, p.Phe93Leufs (NM_001407645.1, NM_001407646.1, NM_001407972.1 and 166 more transcripts); c.201_202delTCinsGAA, p.Phe67Leufs (NM_001407653.1, NM_001407654.1, NM_001407655.1 and 21 more transcripts); c.138_139delTCinsGAA, p.Phe46Leufs (NM_001408498.1, NM_001408499.1, NM_001408500.1 and 98 more transcripts); c.69_70delTCinsGAA, p.Phe23Leufs (NM_001408502.1, NM_001408506.1, NM_001408507.1 and 58 more transcripts); c.-103_-102delTCinsGAA (NM_001408510.1, NM_001408512.1, NM_001407959.1 and 4 more transcripts); c.138_139delinsGAA, p.Phe46fs (NM_007297.4); c.279_280delinsGAA, p.Phe93fs (NM_007299.4, NM_007300.4); c.147_148delTCinsGAA, p.Phe49Leufs (NM_001408451.1); short protein forms F93fs, F46fs.
Identifiers: ClinVar variation 462593 (VCV000462593.11), dbSNP rs1555596663, ClinGen allele CA658656668.